The following is an entry in ClinVar:

NM_001164277.2(SLC37A4):c.230G>T (p.Arg77Leu)

Gene: SLC37A4 (solute carrier family 37 member 4; minus strand). Cytogenetic location: 11q23.3.
Variant type: single nucleotide variant.
Coding change: c.230G>T on transcript NM_001164277.2 (MANE Select); coding-DNA position 230, G replaced by T.
Protein change: p.Arg77Leu; replaces arginine 77 with leucine.
Molecular consequence: missense variant.
Genome position (GRCh38, 1-based): chr11:119,028,345, C>A on the plus strand (G>T on the coding strand, the complement: SLC37A4 is on the minus strand). VCF-style: chr11-119028345-C-A. GRCh37 (hg19) VCF-style: chr11-118899055-C-A.
Other names: c.230G>T, p.Arg77Leu (NM_001164278.2, NM_001164280.2, NM_001467.6); c.11G>T, p.Arg4Leu (NM_001164279.2); c.230G>T (NM_001164277.1); short protein forms R4L, R77L.
Identifiers: ClinVar variation 1063134 (VCV001063134.14), dbSNP rs370839177, ClinGen allele CA6311882.

ClinVar aggregate classification (germline): Uncertain significance. Review status: criteria provided, multiple submitters, no conflicts (2 of 4 stars). 5 submissions from 5 submitters: Uncertain significance (4). 1 of the submissions does not count toward it. Last evaluated 2026-05-19.

Conditions:
SLC37A4-related disorder. Also called: SLC37A4-related condition.
Glucose-6-phosphate transport defect (GSD1B). Also called: Glycogen Storage Disease Type Ib; GSD Ib. Identifiers: Orphanet 364, Orphanet 79259, MedGen C0268146, MONDO:0009288, OMIM 232220.
Phosphate transport defect (GSD1C). Also called: GLYCOGEN STORAGE DISEASE Ic; GSD Ic. Identifiers: Orphanet 364, Orphanet 79259, MedGen C0342749, OMIM 232240.
Congenital disorder of glycosylation, type IIw. Identifiers: MedGen C5561986, MONDO:0030437, OMIM 619525.
Inborn genetic diseases. Identifiers: MedGen C0950123, MeSH D030342.

Allele frequency attached by ClinVar (database versions not stated): gnomAD 0.00009; 1000 Genomes Project 30x 0.00016; 1000 Genomes Project 0.00020.

Submissions (5):

Ambry Genetics
Classification: Uncertain significance for Inborn genetic diseases. Last evaluated: 2026-05-19. Review status: criteria provided, single submitter. Criteria: Ambry Variant Classification Scheme 2023. Collection method: clinical testing. Allele origin: germline.
Comment: The c.230G>T (p.R77L) alteration is located in exon 4 (coding exon 2) of the SLC37A4 gene. This alteration results from a G to T substitution at nucleotide position 230, causing the arginine (R) at amino acid position 77 to be replaced by a leucine (L). Based on data from gnomAD, the T allele has an overall frequency of 0.003% (9/267116) total alleles studied. The highest observed frequency was 0.022% (5/22774) of African alleles. Based on insufficient or conflicting evidence, the clinical significance of this alteration remains unclear.

PreventionGenetics, part of Exact Sciences
Classification: Uncertain significance for SLC37A4-related condition. Last evaluated: 2026-05-15. Review status: criteria provided, single submitter. Criteria: ACMG Guidelines, 2015. Collection method: clinical testing. Allele origin: germline.
Comment: The SLC37A4 c.230G>T variant is predicted to result in the amino acid substitution p.Arg77Leu. To our knowledge, this variant has not been reported in the literature. This variant is reported in 0.022% of alleles in individuals of African descent in gnomAD. At this time, the clinical significance of this variant is uncertain due to the absence of conclusive functional and genetic evidence.

Labcorp Genetics (formerly Invitae), Labcorp
Classification: Uncertain significance for Glucose-6-phosphate transport defect. Last evaluated: 2025-08-12. Review status: criteria provided, single submitter. Criteria: Invitae Variant Classification Sherloc (09022015). Collection method: clinical testing. Allele origin: germline.
Comment: This sequence change replaces arginine, which is basic and polar, with leucine, which is neutral and non-polar, at codon 77 of the SLC37A4 protein (p.Arg77Leu). This variant is present in population databases (rs370839177, gnomAD 0.02%). This variant has not been reported in the literature in individuals affected with SLC37A4-related conditions. ClinVar contains an entry for this variant (Variation ID: 1063134). Invitae Evidence Modeling of protein sequence and biophysical properties (such as structural, functional, and spatial information, amino acid conservation, physicochemical variation, residue mobility, and thermodynamic stability) indicates that this missense variant is not expected to disrupt SLC37A4 protein function with a negative predictive value of 80%. In summary, the available evidence is currently insufficient to determine the role of this variant in disease. Therefore, it has been classified as a Variant of Uncertain Significance.

Fulgent Genetics
Classification: Uncertain significance for Glucose-6-phosphate transport defect; Phosphate transport defect; Congenital disorder of glycosylation, type IIw. Last evaluated: 2022-04-14. Review status: criteria provided, single submitter. Criteria: ACMG Guidelines, 2015. Collection method: clinical testing. Allele origin: unknown.

Natera, Inc.
Classification: Uncertain significance for Glycogen storage disease type Ib. Last evaluated: 2020-05-12. Review status: no assertion criteria provided. Collection method: clinical testing. Allele origin: germline. Not counted in ClinVar's aggregate classification.